The following is an entry in ClinVar:

ClinVar aggregate classification (germline): Pathogenic (1 of 4 stars; one submission).

Submission:

Labcorp Genetics (formerly Invitae), Labcorp
Classification: Pathogenic. Last evaluated: 2021-12-24. Review status: criteria provided, single submitter. Criteria: Invitae Variant Classification Sherloc (09022015). Collection method: clinical testing. Allele origin: germline.
Comment: For these reasons, this variant has been classified as Pathogenic. Algorithms developed to predict the effect of sequence changes on RNA splicing suggest that this variant may disrupt the consensus splice site. This variant is also known as c.5574+1del. This variant has not been reported in the literature in individuals affected with VPS13A-related conditions. This variant is not present in population databases (gnomAD no frequency). This sequence change creates a premature translational stop signal (p.Ala1859Hisfs*14) in the VPS13A gene. It is expected to result in an absent or disrupted protein product. Loss-of-function variants in VPS13A are known to be pathogenic (PMID: 12404112, 21598378).

Literature cited by the submitters: PubMed 12404112; PubMed 21598378.

NM_033305.3(VPS13A):c.5574+1del

Gene: VPS13A (vacuolar protein sorting 13 homolog A; plus strand). Cytogenetic location: 9q21.2.
Variant type: Deletion.
Coding change: c.5574+1del on transcript NM_033305.3 (MANE Select); the canonical splice donor site of the intron after coding-DNA position 5574, one base deleted (G; older notation c.5574+1delG).
Molecular consequence: splice donor variant.
Genome position (GRCh38, 1-based): chr9:77,321,328, G deleted; the last of 2 consecutive G bases (chr9:77,321,327-77,321,328); deleting either gives the same sequence. VCF-style (leftmost placement, unchanged base first): chr9-77321326-AG-A. GRCh37 (hg19) VCF-style: chr9-79936242-AG-A.
Other names: c.5457+1del (NM_001018037.2); c.5574+1del (NM_015186.4, NM_001018038.3).
Identifiers: ClinVar variation 2187712 (VCV002187712.4), dbSNP rs2538007769, ClinGen allele CA2580080788.